The following is an entry in ClinVar:

ClinVar aggregate classification (germline): Uncertain significance (1 of 4 stars; one submission).

Submission:

Women's Health and Genetics/Laboratory Corporation of America, LabCorp
Classification: Uncertain significance. Last evaluated: 2026-01-19. Review status: criteria provided, single submitter. Criteria: LabCorp Variant Classification Summary - May 2015. Collection method: clinical testing. Allele origin: germline.
Comment: Variant summary: AMPD2 c.2157+4A>T alters a conserved nucleotide located close to a canonical splice site and therefore could affect mRNA splicing, leading to a significantly altered protein sequence. Several computational tools predict a significant impact on normal splicing: Four predict the variant weakens a 5' donor site. However, these predictions have yet to be confirmed by functional studies. The variant was absent in 250656 control chromosomes. The available data on variant occurrences in the general population are insufficient to allow any conclusion about variant significance. To our knowledge, no occurrence of c.2157+4A>T in individuals affected with AMPD2-related conditions and no experimental evidence demonstrating its impact on protein function have been reported. No submitters have cited clinical-significance assessments for this variant to ClinVar. Based on the evidence outlined above, the variant was classified as uncertain significance.

NM_001368809.2(AMPD2):c.2157+4A>T

Gene: AMPD2 (adenosine monophosphate deaminase 2; plus strand). Cytogenetic location: 1p13.3.
Variant type: single nucleotide variant.
Coding change: c.2157+4A>T on transcript NM_001368809.2 (MANE Select); 4 bases into the intron after coding-DNA position 2157, A replaced by T.
Molecular consequence: intron variant.
Genome position (GRCh38, 1-based): chr1:109,630,410, A>T. VCF-style: chr1-109630410-A-T. GRCh37 (hg19) VCF-style: chr1-110173032-A-T.
Other names: c.2076+4A>T (NM_139156.4); c.2094+4A>T (NM_001308170.1); c.2157+4A>T (NM_004037.9); c.1965+4A>T (NM_001257361.2).
Identifiers: ClinVar variation 4689297 (VCV004689297.1).